The following is an entry in ClinVar:

ClinVar aggregate classification (germline): Uncertain significance (1 of 4 stars; one submission).

Conditions:
CHARGE syndrome (CHARGE). Also called: Hittner Hirsch Kreh syndrome; CHARGE ASSOCIATION--COLOBOMA, HEART ANOMALY, CHOANAL ATRESIA, RETARDATION, GENITAL AND EAR ANOMALIES; Coloboma, heart anomaly, choanal atresia, retardation, genital and ear anomalies; CHARGE association; Hall-Hittner syndrome. Identifiers: Orphanet 138, MedGen C0265354, MONDO:0008965.

Submission:

Labcorp Genetics (formerly Invitae), Labcorp
Classification: Uncertain significance for CHARGE syndrome. Last evaluated: 2024-04-16. Review status: criteria provided, single submitter. Criteria: Invitae Variant Classification Sherloc (09022015). Collection method: clinical testing. Allele origin: germline.
Comment: This sequence change replaces aspartic acid, which is acidic and polar, with asparagine, which is neutral and polar, at codon 2443 of the CHD7 protein (p.Asp2443Asn). This variant is not present in population databases (gnomAD no frequency). This variant has not been reported in the literature in individuals affected with CHD7-related conditions. Advanced modeling of protein sequence and biophysical properties (such as structural, functional, and spatial information, amino acid conservation, physicochemical variation, residue mobility, and thermodynamic stability) performed at Invitae indicates that this missense variant is not expected to disrupt CHD7 protein function with a negative predictive value of 95%. In summary, the available evidence is currently insufficient to determine the role of this variant in disease. Therefore, it has been classified as a Variant of Uncertain Significance.

NM_017780.4(CHD7):c.7327G>A (p.Asp2443Asn)

Gene: CHD7 (chromodomain helicase DNA binding protein 7; plus strand). Cytogenetic location: 8q12.2.
Variant type: single nucleotide variant.
Coding change: c.7327G>A on transcript NM_017780.4 (MANE Select); coding-DNA position 7327, G replaced by A.
Protein change: p.Asp2443Asn; replaces aspartic acid 2443 with asparagine.
Molecular consequence: missense variant. On other transcripts: intron variant (1).
Genome position (GRCh38, 1-based): chr8:60,856,607, G>A. VCF-style: chr8-60856607-G-A. GRCh37 (hg19) VCF-style: chr8-61769166-G-A.
Other names: c.1717-5622G>A (NM_001316690.1); short protein forms D2443N.
Identifiers: ClinVar variation 3637095 (VCV003637095.2).